The following is an entry in ClinVar:

ClinVar aggregate classification (germline): Likely pathogenic. Review status: criteria provided, single submitter (1 of 4 stars). 2 submissions from 2 submitters: Likely pathogenic (1). 1 of the submissions does not count toward it. Last evaluated 2016-01-19.

Conditions:
Intellectual developmental disorder, autosomal dominant 30, with speech delay and behavioral abnormalities. Also called: Intellectual disability, autosomal dominant 30. Identifiers: Orphanet 436151, MedGen C4015167, MONDO:0014486, OMIM 616083.
Intellectual disability. Also called: intellectual disabilities; Intellectual developmental disorder; Intellectual functioning disability. Identifiers: MedGen C3714756, MeSH D008607, MONDO:0001071, HP:0001249.

Submissions (2):

GeneDx
Classification: Likely pathogenic. Last evaluated: 2016-01-19. Review status: criteria provided, single submitter. Criteria: GeneDx Variant Classification (06012015). Collection method: clinical testing. Allele origin: germline. Affected: yes.
Comment: The S421N variant in the ZMYND11 gene has not been reported previously as a pathogenic variant, nor as a benign variant, to our knowledge. The S421N variant was not observed in approximately 6,500 individuals of European and African American ancestry in the NHLBI Exome Sequencing Project, indicating it is not a common benign variant in these populations. The S421N variant is a conservative amino acid substitution, which is not likely to impact secondary protein structure as these residues share similar properties. This substitution occurs at a position that is conserved across species. In silico analysis is inconsistent in its predictions as to whether or not the variant is damaging to the protein structure/function. The S421N variant is a strong candidate for a pathogenic variant; however, the possibility it may be a rare benign variant cannot be excluded.

Tgen's Center for Rare Childhood Disorders, Translational Genomics Research Institute (tgen)
Classification: Pathogenic for Mental retardation, autosomal dominant 30. Last evaluated: 2016-04-13. Review status: no assertion criteria provided. Collection method: clinical testing. Allele origin: de novo. Inheritance: Autosomal dominant inheritance. Affected: yes. Observed: 1 heterozygote. Segregation with disease not observed. Not counted in ClinVar's aggregate classification.

Literature cited by the submitters: PubMed 25217958 (cited by Tgen's Center for Rare Childhood Disorders, Translational Genomics Research Institute (tgen)).

NM_001370100.5(ZMYND11):c.1262G>A (p.Ser421Asn)

Genes: ZMYND11 (zinc finger MYND-type containing 11; plus strand), LOC126860802 (BRD4-independent group 4 enhancer GRCh37_chr10:294268-295467; plus strand). Cytogenetic location: 10p15.3.
Variant type: single nucleotide variant.
Coding change: c.1262G>A on transcript NM_001370100.5 (MANE Select); coding-DNA position 1262, G replaced by A.
Protein change: p.Ser421Asn; replaces serine 421 with asparagine.
Molecular consequence: missense variant. On other transcripts: non-coding transcript variant (1).
Genome position (GRCh38, 1-based): chr10:248,370, G>A. VCF-style: chr10-248370-G-A. GRCh37 (hg19) VCF-style: chr10-294310-G-A.
Other names: c.1262G>A, p.Ser421Asn (NM_001202468.1, NM_001370097.3, NM_001370098.2 and 4 more transcripts); c.1100G>A, p.Ser367Asn (NM_001202464.3, NM_001202467.1, NM_001370103.2 and 6 more transcripts); c.1007G>A, p.Ser336Asn (NM_001202465.3, NM_001370110.2); c.1097G>A, p.Ser366Asn (NM_001202466.3, NM_001370111.2); c.1211G>A, p.Ser404Asn (NM_001330057.3, NM_001370112.2); c.905G>A, p.Ser302Asn (NM_001370123.2); c.791G>A, p.Ser264Asn (NM_001370124.3); c.1259G>A, p.Ser420Asn (NM_212479.4, NM_001370115.2); and 8 more; short protein forms S421N, S336N, S345N, S399N, S264N, S366N, S404N, S420N.
Identifiers: ClinVar variation 225254 (VCV000225254.3), dbSNP rs869320713, ClinGen allele CA358891.
Genomic context (GRCh38, chr10:248,370, plus strand): 5'-GTCTAAACTCTTGTCTCACCTTTTAGGAACCAGAGCCTGAAACAGAAGCAGTAAGTTCTA[G>A]CCAGGAAATACCCACGATGCCTCAGCCCATCGAAAAAGTCTCCGTGTCAACTCAGACAAA-3'
Protein context (NP_001357029.1, residues 411-431): PEPETEAVSS[Ser421Asn]QEIPTMPQPI